The following is an entry in ClinVar:

NM_000057.4(BLM):c.3893G>A (p.Gly1298Glu)

Gene: BLM (BLM RecQ like helicase; plus strand). Cytogenetic location: 15q26.1.
Variant type: single nucleotide variant.
Coding change: c.3893G>A on transcript NM_000057.4 (MANE Select); coding-DNA position 3893, G replaced by A.
Protein change: p.Gly1298Glu; replaces glycine 1298 with glutamic acid.
Molecular consequence: missense variant.
Genome position (GRCh38, 1-based): chr15:90,811,223, G>A. VCF-style: chr15-90811223-G-A. GRCh37 (hg19) VCF-style: chr15-91354453-G-A.
Other names: c.3893G>A, p.Gly1298Glu (NM_001287246.2); c.3500G>A, p.Gly1167Glu (NM_001287247.2); c.2768G>A, p.Gly923Glu (NM_001287248.2); short protein forms G1167E, G923E, G1298E.
Identifiers: ClinVar variation 1735916 (VCV001735916.2), dbSNP rs2505566497, ClinGen allele CA393850440.

ClinVar aggregate classification (germline): Uncertain significance (1 of 4 stars; one submission).

Conditions:
Hereditary cancer-predisposing syndrome. Also called: Neoplastic Syndromes, Hereditary; Tumor predisposition; Hereditary Cancer Syndrome; Hereditary neoplastic syndrome. Identifiers: Orphanet 140162, MedGen C0027672, MeSH D009386, MONDO:0015356.

Submission:

Ambry Genetics
Classification: Uncertain significance for Hereditary cancer-predisposing syndrome. Last evaluated: 2021-01-06. Review status: criteria provided, single submitter. Criteria: Ambry Variant Classification Scheme 2023. Collection method: clinical testing. Allele origin: germline.
Comment: The p.G1298E variant (also known as c.3893G>A), located in coding exon 20 of the BLM gene, results from a G to A substitution at nucleotide position 3893. The glycine at codon 1298 is replaced by glutamic acid, an amino acid with similar properties. This amino acid position is not well conserved in available vertebrate species. In addition, this alteration is predicted to be tolerated by in silico analysis. Since supporting evidence is limited at this time, the clinical significance of this alteration remains unclear.